The following is an entry in ClinVar:

NM_020937.4(FANCM):c.59C>G (p.Ser20Cys)

Genes: FANCM (FA complementation group M; plus strand), LOC130055524 (ATAC-STARR-seq lymphoblastoid active region 8299; plus strand). Cytogenetic location: 14q21.2.
Variant type: single nucleotide variant.
Coding change: c.59C>G on transcript NM_020937.4 (MANE Select); coding-DNA position 59, C replaced by G.
Protein change: p.Ser20Cys; replaces serine 20 with cysteine.
Molecular consequence: missense variant.
Genome position (GRCh38, 1-based): chr14:45,136,090, C>G. VCF-style: chr14-45136090-C-G. GRCh37 (hg19) VCF-style: chr14-45605293-C-G.
Other names: c.59C>G, p.Ser20Cys (NM_001308133.2, NM_001308134.2); c.59C>G (NM_020937.3); short protein forms S20C.
Identifiers: ClinVar variation 526376 (VCV000526376.19), dbSNP rs199699785, ClinGen allele CA7168689.

ClinVar aggregate classification (germline): Conflicting classifications of pathogenicity. Review status: criteria provided, conflicting classifications (1 of 4 stars). 6 submissions from 6 submitters: Uncertain significance (4); Likely benign (2). Last evaluated 2026-01-06.

Conditions:
FANCM-related disorder. Also called: FANCM-related condition.
Premature ovarian failure 15. Identifiers: MedGen C4748170, MONDO:0054862, OMIM 618096.
Spermatogenic failure 28. Identifiers: MedGen C4748117, MONDO:0054732, OMIM 618086.
Hereditary cancer-predisposing syndrome. Also called: Hereditary neoplastic syndrome; Hereditary Cancer Syndrome; Neoplastic Syndromes, Hereditary; Tumor predisposition. Identifiers: Orphanet 140162, MedGen C0027672, MeSH D009386, MONDO:0015356.
Fanconi anemia (FA). Also called: Fanconi's anemia. Identifiers: Orphanet 84, MedGen C0015625, MeSH D005199, MONDO:0019391.

Allele frequency attached by ClinVar (database versions not stated): ExAC 0.00003; TOPMed 0.00004; gnomAD 0.00005 and 0.00006; gnomAD exomes 0.00012.
gnomAD v4.1: 89 of 1,614,002 alleles (0.0055%); highest among the groups gnomAD compares: Non-Finnish European, 0.0022%; no homozygotes.

Submissions (6):

Labcorp Genetics (formerly Invitae), Labcorp
Classification: Likely benign for Fanconi anemia. Last evaluated: 2026-01-06. Review status: criteria provided, single submitter. Criteria: Invitae Variant Classification Sherloc (09022015). Collection method: clinical testing. Allele origin: germline.

GeneDx
Classification: Uncertain significance. Last evaluated: 2025-07-23. Review status: criteria provided, single submitter. Criteria: GeneDx Variant Classification Process June 2021. Collection method: clinical testing. Allele origin: germline. Affected: yes.
Comment: In silico analysis suggests that this missense variant does not alter protein structure/function; Observed in individuals with breast cancer, but also in unaffected controls (PMID: 33471991); This variant is associated with the following publications: (PMID: 28881617, 33471991)

PreventionGenetics, part of Exact Sciences
Classification: Uncertain significance for FANCM-related condition. Last evaluated: 2025-04-28. Review status: criteria provided, single submitter. Criteria: ACMG Guidelines, 2015. Collection method: clinical testing. Allele origin: germline.
Comment: The FANCM c.59C>G variant is predicted to result in the amino acid substitution p.Ser20Cys. This variant has been reported in the literature in breast cancer cases and controls (Breast Cancer Association Consortium et al. 2021. PubMed ID: 33471991) and on control from an ovarian cancer case-control study (Dicks et al. 2017. PubMed ID: 28881617). This variant is reported in 0.21% of alleles in individuals of Ashkenazi Jewish descent in gnomAD. This variant has conflicting interpretations in ClinVar ranging from uncertain to likely benign. At this time, the clinical significance of this variant is uncertain due to the absence of conclusive functional and genetic evidence.

Fulgent Genetics
Classification: Uncertain significance for Spermatogenic failure 28; Premature ovarian failure 15. Last evaluated: 2024-01-09. Review status: criteria provided, single submitter. Criteria: ACMG Guidelines, 2015. Collection method: clinical testing. Allele origin: germline.

Quest Diagnostics Nichols Institute San Juan Capistrano
Classification: Likely benign. Last evaluated: 2023-06-05. Review status: criteria provided, single submitter. Criteria: Quest Diagnostics criteria. Collection method: clinical testing. Allele origin: unknown.

Sema4
Classification: Uncertain significance for Hereditary cancer-predisposing syndrome. Last evaluated: 2022-01-27. Review status: criteria provided, single submitter. Criteria: Sema4 Curation Guidelines. Collection method: curation. Allele origin: germline.
Comment: The FANCM c.59C>G (p.S20C) variant has been reported in a large breast cancer case control study, in 12/60466 cases versus 2/53461 controls (PMID: 33471991). It was observed in 22/10308 chromosomes of the Ashkenazi Jewish subpopulation, with no homozygotes, in the large and broad cohorts of the Genome Aggregation Database (PMID: 32461654). The variant has been reported in ClinVar (Variation ID: 526376). In silico tools suggest the impact of the variant on protein function is benign, though these predictions have not been confirmed by functional studies. The evidence is insufficient to meet ACMG/AMP criteria for classifying the variant as benign or pathogenic. Thus, the clinical significance of this variant is currently uncertain.

Literature cited by the submitters: PubMed 33471991 (cited by Quest Diagnostics Nichols Institute San Juan Capistrano and Sema4); PubMed 28881617 (cited by Quest Diagnostics Nichols Institute San Juan Capistrano).